The following is an entry in ClinVar:

ClinVar aggregate classification (germline): Likely benign. Review status: criteria provided, multiple submitters, no conflicts (2 of 4 stars). 3 submissions from 3 submitters: Likely benign (2). 1 of the submissions does not count toward it. Last evaluated 2025-12-07.

Conditions:
NPHS1-related disorder. Also called: NPHS1-related condition.

Allele frequency attached by ClinVar (database versions not stated): gnomAD 0.00001; gnomAD exomes 0.00002 and 0.00006; TOPMed 0.00002; ExAC 0.00003; ESP Exome Variant Server 0.00008; 1000 Genomes Project 30x 0.00016; 1000 Genomes Project 0.00020.
gnomAD v4.1: 37 of 1,611,990 alleles (0.0023%); highest among the groups gnomAD compares: East Asian, 0.011%; no homozygotes.

Submissions (3):

Labcorp Genetics (formerly Invitae), Labcorp
Classification: Likely benign. Last evaluated: 2025-12-07. Review status: criteria provided, single submitter. Criteria: Invitae Variant Classification Sherloc (09022015). Collection method: clinical testing. Allele origin: germline.

Blueprint Genetics
Classification: Likely benign. Last evaluated: 2024-10-22. Review status: criteria provided, single submitter. Criteria: ACMG Guidelines, 2015. Collection method: clinical testing. Allele origin: germline.

PreventionGenetics, part of Exact Sciences
Classification: Likely benign for NPHS1-related condition. Last evaluated: 2022-12-19. Review status: no assertion criteria provided. Collection method: clinical testing. Allele origin: germline. Not counted in ClinVar's aggregate classification.
Comment: This variant is classified as likely benign based on ACMG/AMP sequence variant interpretation guidelines (Richards et al. 2015 PMID: 25741868, with internal and published modifications).

NM_004646.4(NPHS1):c.990C>T (p.His330=)

Gene: NPHS1 (NPHS1 adhesion molecule, nephrin; minus strand). Cytogenetic location: 19q13.12.
Variant type: single nucleotide variant.
Coding change: c.990C>T on transcript NM_004646.4 (MANE Select); coding-DNA position 990, C replaced by T.
Protein change: p.His330=; no amino-acid change (histidine 330 retained).
Molecular consequence: synonymous variant.
Genome position (GRCh38, 1-based): chr19:35,848,998, G>A on the plus strand (C>T on the coding strand, the complement: NPHS1 is on the minus strand). VCF-style: chr19-35848998-G-A. GRCh37 (hg19) VCF-style: chr19-36339900-G-A.
Identifiers: ClinVar variation 740522 (VCV000740522.14), dbSNP rs151213410, ClinGen allele CA9390588.